The following is an entry in ClinVar:

ClinVar aggregate classification (germline): Uncertain significance (1 of 4 stars; one submission).

Conditions:
Periventricular nodular heterotopia 6 (PVNH6). Identifiers: Orphanet 2149, MedGen C3809872, MONDO:0014240, OMIM 615544.

Submission:

3billion
Classification: Uncertain significance for Periventricular nodular heterotopia 6. Last evaluated: 2026-01-30. Review status: criteria provided, single submitter. Criteria: ACMG Guidelines, 2015. Collection method: clinical testing. Allele origin: germline. Affected: yes.
Comment: The variant is not observed in the gnomAD v4.1.0 dataset. Predicted Consequence/Location: Stop-gained (nonsense): predicted to result in a loss or disruption of normal protein function through nonsense-mediated decay (NMD) or protein truncation. However, the contribution of loss-of-function variants in ERMARD to 'Periventricular nodular heterotopia 6' is incompletely understood at this time. In silico tools predict the variant to alter splicing and produce an abnormal transcript [SpliceAI: 0.57 (spliceogenicity >=0.2, non-spliceogenicity <0.1)]. Therefore, this variant is classified as VUS according to the recommendation of ACMG/AMP guideline.

NM_018341.3(ERMARD):c.165C>G (p.Tyr55Ter)

Gene: ERMARD (ER membrane associated RNA degradation; plus strand). Cytogenetic location: 6q27.
Variant type: single nucleotide variant.
Coding change: c.165C>G on transcript NM_018341.3 (MANE Select); coding-DNA position 165, C replaced by G.
Protein change: p.Tyr55Ter; replaces tyrosine 55 with a stop codon.
Molecular consequence: nonsense. On other transcripts: intron variant (2).
Genome position (GRCh38, 1-based): chr6:169,754,022, C>G. VCF-style: chr6-169754022-C-G. GRCh37 (hg19) VCF-style: chr6-170154118-C-G.
Other names: c.165C>G, p.Tyr55Ter (NM_001278531.2, NM_001278533.2); c.-203-1261C>G (NM_001278532.2, NM_001410957.1); short protein forms Y55*.
Identifiers: ClinVar variation 4291903 (VCV004291903.2).